The following is an entry in ClinVar:

NM_133510.4(RAD51B):c.554G>A (p.Cys185Tyr)

Gene: RAD51B (RAD51 paralog B; plus strand). Cytogenetic location: 14q24.1.
Variant type: single nucleotide variant.
Coding change: c.554G>A on transcript NM_133510.4 (MANE Select); coding-DNA position 554, G replaced by A.
Protein change: p.Cys185Tyr; replaces cysteine 185 with tyrosine.
Molecular consequence: missense variant.
Genome position (GRCh38, 1-based): chr14:67,885,970, G>A. VCF-style: chr14-67885970-G-A. GRCh37 (hg19) VCF-style: chr14-68352687-G-A.
Other names: c.554G>A, p.Cys185Tyr (NM_001321809.2, NM_001321810.2, NM_001321812.1 and 6 more transcripts); c.440G>A, p.Cys147Tyr (NM_001321815.1); c.197G>A, p.Cys66Tyr (NM_001321817.2); short protein forms C185Y, C66Y, C147Y.
Identifiers: ClinVar variation 4149870 (VCV004149870.1).

ClinVar aggregate classification (germline): Uncertain significance (1 of 4 stars; one submission).

Submission:

Ambry Genetics
Classification: Uncertain significance. Last evaluated: 2025-09-12. Review status: criteria provided, single submitter. Criteria: Ambry Variant Classification Scheme 2023. Collection method: clinical testing. Allele origin: germline.
Comment: The p.C185Y variant (also known as c.554G>A), located in coding exon 5 of the RAD51B gene, results from a G to A substitution at nucleotide position 554. The cysteine at codon 185 is replaced by tyrosine, an amino acid with highly dissimilar properties. This amino acid position is conserved. In addition, the in silico prediction for this alteration is inconclusive. Based on the available evidence, the clinical significance of this variant remains unclear.